The following is an entry in ClinVar:

ClinVar aggregate classification (germline): Uncertain significance. Review status: criteria provided, single submitter (1 of 4 stars). 2 submissions from 2 submitters: Uncertain significance (1). 1 of the submissions does not count toward it. Last evaluated 2018-02-01.

Conditions:
Glycogen storage disease, type IV (GSD4). Also called: AMYLOPECTINOSIS; ANDERSEN DISEASE; BRANCHER DEFICIENCY; CIRRHOSIS, FAMILIAL, WITH DEPOSITION OF ABNORMAL GLYCOGEN; GBE1 DEFICIENCY; GLYCOGEN BRANCHING ENZYME DEFICIENCY. Identifiers: Orphanet 367, MedGen C0017923, MONDO:0009292, OMIM 232500.

Submissions (2):

Kariminejad - Najmabadi Pathology & Genetics Center
Classification: Uncertain significance. Last evaluated: 2018-02-01. Review status: criteria provided, single submitter. Criteria: ACMG Guidelines, 2015. Collection method: clinical testing. Allele origin: germline. Inheritance: Autosomal recessive inheritance. Affected: yes.
Comment: PM2,PM4,PP3,PP5

Lupski Lab, Baylor-Hopkins CMG, Baylor College of Medicine
Classification: Pathogenic for Glycogen storage disease, type IV. Review status: no assertion criteria provided. Collection method: research. Allele origin: inherited. Inheritance: Autosomal recessive inheritance. Affected: yes. Observed: 3 variant alleles, 2 heterozygotes, 1 homozygote. Not counted in ClinVar's aggregate classification.

NM_000158.4(GBE1):c.1861CTT[1] (p.Leu622del)

Gene: GBE1 (1,4-alpha-glucan branching enzyme 1; minus strand). Cytogenetic location: 3p12.2.
Variant type: Microsatellite.
Coding change: c.1861CTT[1] on transcript NM_000158.4 (MANE Select); one copy of the 3-base unit CTT starting at c.1861; the reference has two copies in a row; one copy, 3 bases deleted; also written c.1864_1866del.
Protein change: p.Leu622del; deletes leucine 622.
Molecular consequence: inframe deletion.
Genome position (GRCh38, 1-based): chr3:81,535,263-81,535,265, AAG deleted on the plus strand (CTT on the coding strand, the reverse complement: GBE1 is on the minus strand); deleting any 3 consecutive bases within chr3:81,535,263-81,535,269 gives the same sequence; the position shown is the placement nearest the transcript's 3' end. VCF-style (leftmost placement, unchanged base first): chr3-81535262-AAAG-A. GRCh37 (hg19) VCF-style: chr3-81584413-AAAG-A.
Other names: c.1864_1866del (NM_000158.4); short protein forms L622del.
Identifiers: ClinVar variation 816842 (VCV000816842.2), dbSNP rs1576137368, ClinGen allele CA915941513.